The following is an entry in ClinVar:

NM_145725.3(TRAF3):c.1097G>A (p.Ser366Asn)

Gene: TRAF3 (TNF receptor associated factor 3; plus strand). Cytogenetic location: 14q32.32.
Variant type: single nucleotide variant.
Coding change: c.1097G>A on transcript NM_145725.3 (MANE Select); coding-DNA position 1097, G replaced by A.
Protein change: p.Ser366Asn; replaces serine 366 with asparagine.
Molecular consequence: missense variant.
Genome position (GRCh38, 1-based): chr14:102,903,391, G>A. VCF-style: chr14-102903391-G-A. GRCh37 (hg19) VCF-style: chr14-103369728-G-A.
Other names: c.848G>A, p.Ser283Asn (NM_001199427.2); c.956G>A, p.Ser319Asn (NM_001385142.1); c.1016G>A, p.Ser339Asn (NM_001385143.1); c.1097G>A, p.Ser366Asn (NM_003300.4); c.1022G>A, p.Ser341Asn (NM_145726.3); short protein forms S319N, S283N, S339N, S341N, S366N.
Identifiers: ClinVar variation 2171778 (VCV002171778.4), dbSNP rs889765150, ClinGen allele CA267152001.

ClinVar aggregate classification (germline): Uncertain significance (1 of 4 stars; one submission).

Conditions:
Immunodeficiency 132A. Also called: Herpes simplex encephalitis, susceptibility to, 3. Identifiers: Orphanet 1930, MedGen C3553868, MONDO:0013920, OMIM 614849.

Allele frequency attached by ClinVar (database versions not stated): gnomAD exomes below 0.00001; TOPMed 0.00001.
gnomAD v4.1: 2 of 1,614,152 alleles (0.00012%); highest among the groups gnomAD compares: Non-Finnish European, 0.00017%; no homozygotes.

Submission:

Labcorp Genetics (formerly Invitae), Labcorp
Classification: Uncertain significance for Immunodeficiency 132A. Last evaluated: 2025-08-23. Review status: criteria provided, single submitter. Criteria: Invitae Variant Classification Sherloc (09022015). Collection method: clinical testing. Allele origin: germline.
Comment: This sequence change replaces serine, which is neutral and polar, with asparagine, which is neutral and polar, at codon 366 of the TRAF3 protein (p.Ser366Asn). This variant is not present in population databases (gnomAD no frequency). This variant has not been reported in the literature in individuals affected with TRAF3-related conditions. ClinVar contains an entry for this variant (Variation ID: 2171778). An algorithm developed to predict the effect of missense changes on protein structure and function (PolyPhen-2) suggests that this variant is likely to be tolerated. In summary, the available evidence is currently insufficient to determine the role of this variant in disease. Therefore, it has been classified as a Variant of Uncertain Significance.